The following is an entry in ClinVar:

ClinVar aggregate classification (germline): Uncertain significance (1 of 4 stars; one submission).

Conditions:
Peroxisome biogenesis disorder. Identifiers: Orphanet 79189, MedGen C1832200, MONDO:0019234. Disease mechanism: loss of function.

Submission:

Labcorp Genetics (formerly Invitae), Labcorp
Classification: Uncertain significance for Peroxisome biogenesis disorder. Last evaluated: 2020-08-17. Review status: criteria provided, single submitter. Criteria: Invitae Variant Classification Sherloc (09022015). Collection method: clinical testing. Allele origin: germline.
Comment: Algorithms developed to predict the effect of missense changes on protein structure and function are either unavailable or do not agree on the potential impact of this missense change (SIFT: "Tolerated"; PolyPhen-2: "Probably Damaging"; Align-GVGD: "Class C0"). This variant has not been reported in the literature in individuals with PEX16-related conditions. This variant is not present in population databases (ExAC no frequency). This sequence change replaces glutamic acid with aspartic acid at codon 217 of the PEX16 protein (p.Glu217Asp). The glutamic acid residue is moderately conserved and there is a small physicochemical difference between glutamic acid and aspartic acid. In summary, the available evidence is currently insufficient to determine the role of this variant in disease. Therefore, it has been classified as a Variant of Uncertain Significance.

NM_004813.4(PEX16):c.651G>T (p.Glu217Asp)

Gene: PEX16 (peroxisomal biogenesis factor 16; minus strand). Cytogenetic location: 11p11.2.
Variant type: single nucleotide variant.
Coding change: c.651G>T on transcript NM_004813.4 (MANE Select); coding-DNA position 651, G replaced by T.
Protein change: p.Glu217Asp; replaces glutamic acid 217 with aspartic acid.
Molecular consequence: missense variant.
Genome position (GRCh38, 1-based): chr11:45,914,359, C>A on the plus strand (G>T on the coding strand, the complement: PEX16 is on the minus strand). VCF-style: chr11-45914359-C-A. GRCh37 (hg19) VCF-style: chr11-45935910-C-A.
Other names: c.651G>T, p.Glu217Asp (NM_057174.3); short protein forms E217D.
Identifiers: ClinVar variation 1039790 (VCV001039790.9), dbSNP rs761544516, ClinGen allele CA380226987.
Genomic context (GRCh38, chr11:45,914,359, plus strand): 5'-CCCCGCGCTAAGGATACAGTGCAGCAGCGGCCGGGCAATGTACAAAAACTCTGCGATGGT[C>A]TCCTGCAGCCCCAGGGGGGTGGGGGTCGCACTCAGCTCCTCGTGATGCTGCTGCTGCCGT-3'
Protein context (NP_004804.2, residues 207-227): SATPTPLGLQ[Glu217Asp]TIAEFLYIAR